The following is an entry in ClinVar:

NM_001846.4(COL4A2):c.1652del (p.Arg551fs)

Genes: COL4A2 (collagen type IV alpha 2 chain; plus strand), COL4A2-AS2 (COL4A2 antisense RNA 2; minus strand). Cytogenetic location: 13q34.
Variant type: Deletion.
Coding change: c.1652del on transcript NM_001846.4 (MANE Select); coding-DNA position 1652, one base deleted (G; older notation c.1652delG).
Protein change: p.Arg551fs; shifts the reading frame from arginine 551.
Molecular consequence: frameshift variant.
Genome position (GRCh38, 1-based): chr13:110,462,169, G deleted. VCF-style (leftmost placement, unchanged base first): chr13-110462168-AG-A. GRCh37 (hg19) VCF-style: chr13-111114515-AG-A.
Other names: short protein forms R551fs.
Identifiers: ClinVar variation 4872381 (VCV004872381.3).

ClinVar aggregate classification (germline): Likely pathogenic. Review status: criteria provided, multiple submitters, no conflicts (2 of 4 stars). 2 submissions from 2 submitters: Likely pathogenic (2). Last evaluated 2026-08-01.

Conditions:
Brain small vessel disease 2A, autosomal dominant. Also called: Porencephaly 2. Identifiers: Orphanet 2940, Orphanet 99810, MedGen C3280970, MONDO:0013773, OMIM 614483.
Brain small vessel disease 2B, autosomal recessive. Identifiers: MedGen C6065929, MONDO:0980747, OMIM 621414.

Submissions (2):

CeGaT Center for Human Genetics Tuebingen
Classification: Likely pathogenic. Last evaluated: 2026-08-01. Review status: criteria provided, single submitter. Criteria: CeGaT Center For Human Genetics Tuebingen Variant Classification Criteria Version 2. Collection method: clinical testing. Allele origin: germline. Affected: yes. Observed: 2 variant alleles.
Comment: COL4A2: PVS1:Strong, PM2

Clinical Genomics Laboratory, Washington University in St. Louis
Classification: Likely pathogenic for Brain small vessel disease 2A, autosomal dominant; Brain small vessel disease 2B, autosomal recessive. Last evaluated: 2026-04-01. Review status: criteria provided, single submitter. Criteria: ACMG Guidelines, 2015. Collection method: clinical testing. Allele origin: germline. Affected: yes.
Comment: The COL4A2 c.1652del (p.Arg551Lysfs*20) variant, to our knowledge, has not been reported in the medical literature. This variant is only observed in 1/249578 alleles in the general population (gnomAD v4.1.1), indicating it is not a common variant. This variant causes a frameshift by deleting one nucleotide, leading to a premature termination codon, which is predicted to lead to nonsense-mediated decay. Based on available information and the ACMG/AMP guidelines for variant interpretation (Richards S et al., PMID: 25741868), this variant is classified as likely pathogenic.